The following is an entry in ClinVar:

NM_000081.4(LYST):c.8827T>C (p.Tyr2943His)

Gene: LYST (lysosomal trafficking regulator; minus strand). Cytogenetic location: 1q42.3.
Variant type: single nucleotide variant.
Coding change: c.8827T>C on transcript NM_000081.4 (MANE Select); coding-DNA position 8827, T replaced by C.
Protein change: p.Tyr2943His; replaces tyrosine 2943 with histidine.
Molecular consequence: missense variant.
Genome position (GRCh38, 1-based): chr1:235,731,152, A>G on the plus strand (T>C on the coding strand, the complement: LYST is on the minus strand). VCF-style: chr1-235731152-A-G. GRCh37 (hg19) VCF-style: chr1-235894452-A-G.
Other names: c.8827T>C, p.Tyr2943His (NM_001301365.1); short protein forms Y2943H.
Identifiers: ClinVar variation 1016405 (VCV001016405.3), dbSNP rs753437533, ClinGen allele CA1465744.

ClinVar aggregate classification (germline): Uncertain significance. Review status: criteria provided, single submitter (1 of 4 stars). 2 submissions from 2 submitters: Uncertain significance (1). 1 of the submissions does not count toward it. Last evaluated 2022-03-11.

Conditions:
Chédiak-Higashi syndrome (CHS). Also called: Chediak-Higashi Syndrome. Identifiers: Orphanet 167, MedGen C0007965, MONDO:0008963, OMIM 214500.

Allele frequency attached by ClinVar (database versions not stated): ExAC 0.00001; gnomAD exomes 0.00002; gnomAD 0.00003; TOPMed 0.00003.
gnomAD v4.1: 38 of 1,613,966 alleles (0.0024%); highest among the groups gnomAD compares: Non-Finnish European, 0.0031%; no homozygotes.

Submissions (2):

Labcorp Genetics (formerly Invitae), Labcorp
Classification: Uncertain significance for Chédiak-Higashi syndrome. Last evaluated: 2022-03-11. Review status: criteria provided, single submitter. Criteria: Invitae Variant Classification Sherloc (09022015). Collection method: clinical testing. Allele origin: germline.
Comment: This sequence change replaces tyrosine, which is neutral and polar, with histidine, which is basic and polar, at codon 2943 of the LYST protein (p.Tyr2943His). This variant is present in population databases (rs753437533, gnomAD 0.003%). This variant has not been reported in the literature in individuals affected with LYST-related conditions. ClinVar contains an entry for this variant (Variation ID: 1016405). Algorithms developed to predict the effect of missense changes on protein structure and function are either unavailable or do not agree on the potential impact of this missense change (SIFT: "Tolerated"; PolyPhen-2: "Probably Damaging"; Align-GVGD: "Class C0"). In summary, the available evidence is currently insufficient to determine the role of this variant in disease. Therefore, it has been classified as a Variant of Uncertain Significance.

ISTH-SSC Genomics in Thrombosis and Hemostasis, KU Leuven, Center for Molecular and Vascular Biology
Classification: Uncertain significance for Chédiak-Higashi syndrome. Review status: no assertion criteria provided. Collection method: research. Allele origin: unknown. Affected: yes. Not counted in ClinVar's aggregate classification.
Comment: Submitted to GoldVariant by Dr Marie-Christine Morel-Kopp from Northern Blood Research Centre, Sydney, Australia